The following is an entry in ClinVar:

NM_001365536.1(SCN9A):c.2903T>C (p.Leu968Ser)

Genes: SCN1A-AS1 (SCN1A and SCN9A antisense RNA 1; plus strand), SCN9A (sodium voltage-gated channel alpha subunit 9; minus strand). Cytogenetic location: 2q24.3.
Variant type: single nucleotide variant.
Coding change: c.2903T>C on transcript NM_001365536.1 (MANE Select); coding-DNA position 2903, T replaced by C.
Protein change: p.Leu968Ser; replaces leucine 968 with serine.
Molecular consequence: missense variant.
Genome position (GRCh38, 1-based): chr2:166,272,847, A>G on the plus strand (T>C on the coding strand, the complement: SCN9A is on the minus strand). VCF-style: chr2-166272847-A-G. GRCh37 (hg19) VCF-style: chr2-167129357-A-G.
Other names: c.2870T>C, p.Leu957Ser (NM_002977.4); short protein forms L957S, L968S.
Identifiers: ClinVar variation 1307635 (VCV001307635.2), dbSNP rs1553486841, ClinGen allele CA349074965.

ClinVar aggregate classification (germline): Uncertain significance (1 of 4 stars; one submission).

Submission:

GeneDx
Classification: Uncertain significance. Last evaluated: 2019-08-01. Review status: criteria provided, single submitter. Criteria: GeneDx Variant Classification Process June 2021. Collection method: clinical testing. Allele origin: germline. Affected: yes.
Comment: Not observed in large population cohorts (Lek et al., 2016); In silico analysis, which includes protein predictors and evolutionary conservation, supports a deleterious effect; Has not been previously published as pathogenic or benign to our knowledge